The following is an entry in ClinVar:

NM_000018.4(ACADVL):c.963C>T (p.Asn321=)

Gene: ACADVL (acyl-CoA dehydrogenase very long chain; plus strand). Cytogenetic location: 17p13.1.
Variant type: single nucleotide variant.
Coding change: c.963C>T on transcript NM_000018.4 (MANE Select); coding-DNA position 963, C replaced by T.
Protein change: p.Asn321=; no amino-acid change (asparagine 321 retained).
Molecular consequence: synonymous variant.
Genome position (GRCh38, 1-based): chr17:7,222,751, C>T. VCF-style: chr17-7222751-C-T. GRCh37 (hg19) VCF-style: chr17-7126070-C-T.
Other names: c.897C>T, p.Asn299= (NM_001033859.3); c.1032C>T, p.Asn344= (NM_001270447.2); c.735C>T, p.Asn245= (NM_001270448.2); c.963C>T (NM_000018.2).
Identifiers: ClinVar variation 703477 (VCV000703477.48), dbSNP rs568118142, ClinGen allele CA8337916.

ClinVar aggregate classification (germline): Benign/Likely benign. Review status: criteria provided, multiple submitters, no conflicts (2 of 4 stars). 7 submissions from 7 submitters: Benign (1); Likely benign (5). 1 of the submissions does not count toward it. Last evaluated 2026-01-26.

Conditions:
Inborn genetic diseases. Identifiers: MedGen C0950123, MeSH D030342.
Very long chain acyl-CoA dehydrogenase deficiency (ACADVLD). Also called: VLCAD Deficiency; Very Long-Chain Acyl-Coenzyme A Dehydrogenase Deficiency. Identifiers: Orphanet 26793, MedGen C3887523, MONDO:0008723, OMIM 201475.

Allele frequency attached by ClinVar (database versions not stated): 1000 Genomes Project 30x 0.00094; gnomAD 0.00002 and 0.00023; TOPMed 0.00002; gnomAD exomes 0.00040 and 0.00068; ExAC 0.00069; 1000 Genomes Project 0.00080.
gnomAD v4.1: 618 of 1,614,080 alleles (0.038%); highest among the groups gnomAD compares: South Asian, 0.58%; 4 homozygotes.

Submissions (7):

Labcorp Genetics (formerly Invitae), Labcorp
Classification: Benign for Very long chain acyl-CoA dehydrogenase deficiency. Last evaluated: 2026-01-26. Review status: criteria provided, single submitter. Criteria: Invitae Variant Classification Sherloc (09022015). Collection method: clinical testing. Allele origin: germline.

Illumina Laboratory Services, Illumina
Classification: Likely benign for Very long chain acyl-CoA dehydrogenase deficiency. Last evaluated: 2025-04-08. Review status: criteria provided, single submitter. Criteria: ICSLVariantClassificationCriteria RUGD 01 April 2020. Collection method: clinical testing. Allele origin: unknown.

Blueprint Genetics
Classification: Likely benign. Last evaluated: 2024-11-25. Review status: criteria provided, single submitter. Criteria: ACMG Guidelines, 2015. Collection method: clinical testing. Allele origin: germline.

CeGaT Center for Human Genetics Tuebingen
Classification: Likely benign. Last evaluated: 2023-04-01. Review status: criteria provided, single submitter. Criteria: CeGaT Center For Human Genetics Tuebingen Variant Classification Criteria Version 2. Collection method: clinical testing. Allele origin: germline. Affected: yes. Observed: 1 variant allele.
Comment: ACADVL: BP4, BP7

Ambry Genetics
Classification: Likely benign for Inborn genetic diseases. Last evaluated: 2022-09-26. Review status: criteria provided, single submitter. Criteria: Ambry Variant Classification Scheme 2023. Collection method: clinical testing. Allele origin: germline.

Genome-Nilou Lab
Classification: Likely benign for Very long chain acyl-CoA dehydrogenase deficiency. Last evaluated: 2021-07-14. Review status: criteria provided, single submitter. Criteria: ACMG Guidelines, 2015. Collection method: clinical testing. Allele origin: germline. Affected: no.

Natera, Inc.
Classification: Likely benign for Very long chain acyl-CoA dehydrogenase deficiency. Last evaluated: 2020-05-25. Review status: no assertion criteria provided. Collection method: clinical testing. Allele origin: germline. Not counted in ClinVar's aggregate classification.